The following is an entry in ClinVar:

ClinVar aggregate classification (germline): Pathogenic (1 of 4 stars; one submission).

Submission:

Labcorp Genetics (formerly Invitae), Labcorp
Classification: Pathogenic. Last evaluated: 2023-05-22. Review status: criteria provided, single submitter. Criteria: Invitae Variant Classification Sherloc (09022015). Collection method: clinical testing. Allele origin: unknown.
Comment: For these reasons, this variant has been classified as Pathogenic. This variant has not been reported in the literature in individuals affected with TMTC3-related conditions. A gross deletion of the genomic region encompassing the full coding sequence of the TMTC3 gene has been identified. Loss-of-function variants in TMTC3 are known to be pathogenic (PMID: 27773428, 28973161). The boundaries of this event are unknown as they extend beyond the assayed region for this gene and therefore may encompass additional genes.

Literature cited by the submitters: PubMed 27773428; PubMed 28973161.

NC_000012.11:g.(?_88472849)_(88589426_?)del

Genes: CEP290 (centrosomal protein 290; minus strand), TMTC3 (transmembrane O-mannosyltransferase targeting cadherins 3; plus strand). Cytogenetic location: 12q21.32.
Variant type: Deletion.
Identifiers: ClinVar variation 3244450 (VCV003244450.1).